The following is an entry in ClinVar:

NM_001003694.2(BRPF1):c.3048C>T (p.Ser1016=)

Gene: BRPF1 (bromodomain and PHD finger containing 1; plus strand). Cytogenetic location: 3p25.3.
Variant type: single nucleotide variant.
Coding change: c.3048C>T on transcript NM_001003694.2 (MANE Select); coding-DNA position 3048, C replaced by T.
Protein change: p.Ser1016=; no amino-acid change (serine 1016 retained).
Molecular consequence: synonymous variant. On other transcripts: non-coding transcript variant (1).
Genome position (GRCh38, 1-based): chr3:9,745,135, C>T. VCF-style: chr3-9745135-C-T. GRCh37 (hg19) VCF-style: chr3-9786819-C-T.
Other names: c.2745C>T, p.Ser915= (NM_001319049.2); c.3027C>T, p.Ser1009= (NM_001319050.2); c.3030C>T, p.Ser1010= (NM_004634.3).
Identifiers: ClinVar variation 739055 (VCV000739055.29), dbSNP rs200855358, ClinGen allele CA2242273.

ClinVar aggregate classification (germline): Likely benign. Review status: criteria provided, multiple submitters, no conflicts (2 of 4 stars). 4 submissions from 4 submitters: Likely benign (4). Last evaluated 2025-04-01.

Allele frequency attached by ClinVar (database versions not stated): ESP Exome Variant Server 0.00023; gnomAD 0.00028 and 0.00029; gnomAD exomes 0.00041 and 0.00050; ExAC 0.00046; 1000 Genomes Project 30x 0.00016; 1000 Genomes Project 0.00020; TOPMed 0.00022.

Submissions (4):

CeGaT Center for Human Genetics Tuebingen
Classification: Likely benign. Last evaluated: 2025-04-01. Review status: criteria provided, single submitter. Criteria: CeGaT Center For Human Genetics Tuebingen Variant Classification Criteria Version 2. Collection method: clinical testing. Allele origin: germline. Affected: yes. Observed: 5 variant alleles.
Comment: BRPF1: BP4, BP7

Blueprint Genetics
Classification: Likely benign. Last evaluated: 2024-10-23. Review status: criteria provided, single submitter. Criteria: ACMG Guidelines, 2015. Collection method: clinical testing. Allele origin: germline.

Labcorp Genetics (formerly Invitae), Labcorp
Classification: Likely benign. Last evaluated: 2018-06-26. Review status: criteria provided, single submitter. Criteria: Invitae Variant Classification Sherloc (09022015). Collection method: clinical testing. Allele origin: germline.

Breakthrough Genomics
Classification: Likely benign. Review status: criteria provided, single submitter. Criteria: ACMG Guidelines, 2015. Collection method: not provided. Allele origin: germline. Inheritance: Autosomal dominant inheritance. Affected: yes.